The following is an entry in ClinVar:

NM_015512.5(DNAH1):c.476G>A (p.Arg159Gln)

Gene: DNAH1 (dynein axonemal heavy chain 1; plus strand). Cytogenetic location: 3p21.1.
Variant type: single nucleotide variant.
Coding change: c.476G>A on transcript NM_015512.5 (MANE Select); coding-DNA position 476, G replaced by A.
Protein change: p.Arg159Gln; replaces arginine 159 with glutamine.
Molecular consequence: missense variant.
Genome position (GRCh38, 1-based): chr3:52,326,209, G>A. VCF-style: chr3-52326209-G-A. GRCh37 (hg19) VCF-style: chr3-52360225-G-A.
Other names: c.476G>A (NM_015512.4); short protein forms R159Q.
Identifiers: ClinVar variation 2170541 (VCV002170541.5), dbSNP rs530570673, ClinGen allele CA2432651.

ClinVar aggregate classification (germline): Conflicting classifications of pathogenicity. Review status: criteria provided, conflicting classifications (1 of 4 stars). 2 submissions from 2 submitters: Uncertain significance (1); Likely benign (1). Last evaluated 2023-11-13.

Conditions:
Spermatogenic failure 18. Identifiers: MedGen C4539783, MONDO:0054615, OMIM 617576.
Ciliary dyskinesia, primary, 37 (CILD37). Also called: CILIARY DYSKINESIA, PRIMARY, 37, WITH OR WITHOUT SITUS INVERSUS. Identifiers: MedGen C4539798, MONDO:0033204, OMIM 617577.

Allele frequency attached by ClinVar (database versions not stated): ExAC 0.00001; gnomAD 0.00001; gnomAD exomes 0.00001; TOPMed 0.00002; 1000 Genomes Project 0.00020; 1000 Genomes Project 30x 0.00031.
gnomAD v4.1: 15 of 1,613,002 alleles (0.00093%); highest among the groups gnomAD compares: Admixed American, 0.0017%; no homozygotes.

Submissions (2):

Ambry Genetics
Classification: Likely benign. Last evaluated: 2023-11-13. Review status: criteria provided, single submitter. Criteria: Ambry Variant Classification Scheme 2023. Collection method: clinical testing. Allele origin: germline.

Labcorp Genetics (formerly Invitae), Labcorp
Classification: Uncertain significance for Ciliary dyskinesia, primary, 37; Spermatogenic failure 18. Last evaluated: 2022-02-02. Review status: criteria provided, single submitter. Criteria: Invitae Variant Classification Sherloc (09022015). Collection method: clinical testing. Allele origin: germline.
Comment: This sequence change replaces arginine, which is basic and polar, with glutamine, which is neutral and polar, at codon 159 of the DNAH1 protein (p.Arg159Gln). This variant is present in population databases (rs530570673, gnomAD 0.007%). This variant has not been reported in the literature in individuals affected with DNAH1-related conditions. Algorithms developed to predict the effect of missense changes on protein structure and function output the following: SIFT: "Tolerated"; PolyPhen-2: "Benign"; Align-GVGD: "Class C0". The glutamine amino acid residue is found in multiple mammalian species, which suggests that this missense change does not adversely affect protein function. Algorithms developed to predict the effect of sequence changes on RNA splicing suggest that this variant may create or strengthen a splice site. In summary, the available evidence is currently insufficient to determine the role of this variant in disease. Therefore, it has been classified as a Variant of Uncertain Significance.